The following is an entry in ClinVar:

ClinVar aggregate classification (germline): Likely benign. Review status: criteria provided, multiple submitters, no conflicts (2 of 4 stars). 4 submissions from 4 submitters: Likely benign (4). Last evaluated 2025-11-22.

Conditions:
Malignant hyperthermia, susceptibility to, 1 (MHS1). Also called: Malignant hyperthermia suceptibility 1; Anesthesia related hyperthermia; Malignant hyperpyrexia; Fulminating hyperpyrexia; Pharmacogenic myopathy; RYR1-Related Malignant Hyperthermia Susceptibility. Identifiers: Orphanet 423, MedGen C2930980, MONDO:0007783, OMIM 145600.
RYR1-related disorder. Also called: RYR1-related condition; RYR1-related disorders. Identifiers: MedGen CN239331.

Allele frequency attached by ClinVar (database versions not stated): gnomAD exomes 0.00001 and 0.00002; ExAC 0.00002; TOPMed 0.00003; gnomAD 0.00004 and 0.00005; ESP Exome Variant Server 0.00008.
gnomAD v4.1: 31 of 1,613,966 alleles (0.0019%); highest among the groups gnomAD compares: Non-Finnish European, 0.0024%; no homozygotes.

Submissions (4):

Labcorp Genetics (formerly Invitae), Labcorp
Classification: Likely benign for RYR1-related disorder. Last evaluated: 2025-11-22. Review status: criteria provided, single submitter. Criteria: Invitae Variant Classification Sherloc (09022015). Collection method: clinical testing. Allele origin: germline.

All of Us Research Program, National Institutes of Health
Classification: Likely benign for Malignant hyperthermia, susceptibility to, 1. Last evaluated: 2023-09-04. Review status: criteria provided, single submitter. Criteria: ACMG Guidelines, 2015. Collection method: clinical testing. Allele origin: germline. Inheritance: Autosomal dominant inheritance. Observed: 9 variant alleles, 9 heterozygotes.
Comment: This study involves interpretation of variants in research participants for the purpose of population health screening. Participant phenotype was not available at the time of variant classification. Additional details can be found in publication PMID: 35346344, PMCID: PMC8962531

Blueprint Genetics
Classification: Likely benign. Last evaluated: 2023-02-16. Review status: criteria provided, single submitter. Criteria: ACMG Guidelines, 2015. Collection method: clinical testing. Allele origin: germline.

Color Diagnostics, LLC DBA Color Health
Classification: Likely benign for Malignant hyperthermia, susceptibility to, 1. Last evaluated: 2022-11-06. Review status: criteria provided, single submitter. Criteria: ACMG Guidelines, 2015. Collection method: clinical testing. Allele origin: germline.

NM_000540.3(RYR1):c.9147C>T (p.Leu3049=)

Gene: RYR1 (ryanodine receptor 1; plus strand). Cytogenetic location: 19q13.2.
Variant type: single nucleotide variant.
Coding change: c.9147C>T on transcript NM_000540.3 (MANE Select); coding-DNA position 9147, C replaced by T.
Protein change: p.Leu3049=; no amino-acid change (leucine 3049 retained).
Molecular consequence: synonymous variant.
Genome position (GRCh38, 1-based): chr19:38,511,585, C>T. VCF-style: chr19-38511585-C-T. GRCh37 (hg19) VCF-style: chr19-39002225-C-T.
Other names: c.9147C>T, p.Leu3049= (NM_001042723.2).
Identifiers: ClinVar variation 763427 (VCV000763427.24), dbSNP rs370445615, ClinGen allele CA073254.